The following is an entry in ClinVar:

NM_000257.4(MYH7):c.3437T>C (p.Ile1146Thr)

Gene: MYH7 (myosin heavy chain 7; minus strand). Cytogenetic location: 14q11.2.
Variant type: single nucleotide variant.
Coding change: c.3437T>C on transcript NM_000257.4 (MANE Select); coding-DNA position 3437, T replaced by C.
Protein change: p.Ile1146Thr; replaces isoleucine 1146 with threonine.
Molecular consequence: missense variant.
Genome position (GRCh38, 1-based): chr14:23,420,134, A>G on the plus strand (T>C on the coding strand, the complement: MYH7 is on the minus strand). VCF-style: chr14-23420134-A-G. GRCh37 (hg19) VCF-style: chr14-23889343-A-G.
Other names: c.3437T>C, p.Ile1146Thr (NM_001407004.1); short protein forms I1146T.
Identifiers: ClinVar variation 4739520 (VCV004739520.1).

ClinVar aggregate classification (germline): Uncertain significance (1 of 4 stars; one submission).

Conditions:
Hypertrophic cardiomyopathy. Also called: HYPERTROPHIC MYOCARDIOPATHY. Identifiers: Orphanet 217569, MedGen C0007194, MeSH D002312, MONDO:0005045, HP:0001639.

Submission:

Labcorp Genetics (formerly Invitae), Labcorp
Classification: Uncertain significance for Hypertrophic cardiomyopathy. Last evaluated: 2025-11-24. Review status: criteria provided, single submitter. Criteria: Invitae Variant Classification Sherloc (09022015). Collection method: clinical testing. Allele origin: germline.
Comment: This sequence change replaces isoleucine, which is neutral and non-polar, with threonine, which is neutral and polar, at codon 1146 of the MYH7 protein (p.Ile1146Thr). This variant is not present in population databases (gnomAD no frequency). This variant has not been reported in the literature in individuals affected with MYH7-related conditions. Invitae Evidence Modeling of protein sequence and biophysical properties (such as structural, functional, and spatial information, amino acid conservation, physicochemical variation, residue mobility, and thermodynamic stability) has been performed for this missense variant. However, the output from this modeling did not meet the statistical confidence thresholds required to predict the impact of this variant on MYH7 protein function. In summary, the available evidence is currently insufficient to determine the role of this variant in disease. Therefore, it has been classified as a Variant of Uncertain Significance.